The following is an entry in ClinVar:

NM_015559.3(SETBP1):c.3980A>G (p.Tyr1327Cys)

Gene: SETBP1 (SET binding protein 1; plus strand). Cytogenetic location: 18q12.3.
Variant type: single nucleotide variant.
Coding change: c.3980A>G on transcript NM_015559.3 (MANE Select); coding-DNA position 3980, A replaced by G.
Protein change: p.Tyr1327Cys; replaces tyrosine 1327 with cysteine.
Molecular consequence: missense variant.
Genome position (GRCh38, 1-based): chr18:44,953,320, A>G. VCF-style: chr18-44953320-A-G. GRCh37 (hg19) VCF-style: chr18-42533285-A-G.
Other names: c.3980A>G, p.Tyr1327Cys (NM_001379141.1, NM_001379142.1, NM_001410862.1); short protein forms Y1327C.
Identifiers: ClinVar variation 3628557 (VCV003628557.4).

ClinVar aggregate classification (germline): Conflicting classifications of pathogenicity. Review status: criteria provided, conflicting classifications (1 of 4 stars). 2 submissions from 2 submitters: Uncertain significance (1); Likely benign (1). Last evaluated 2025-07-29.

gnomAD v4.1: 4 of 1,613,842 alleles (0.00025%); highest among the groups gnomAD compares: African/African-American, 0.0013%; no homozygotes.

Submissions (2):

Dasa
Classification: Uncertain significance. Last evaluated: 2025-07-29. Review status: criteria provided, single submitter. Criteria: DASA Assertion Criteria. Collection method: clinical testing. Allele origin: germline.
Comment: NM_015559.3(SETBP1):c.3980A>G (p.Tyr1327Cys) is a missense variant that results in the substitution of tyrosine with cysteine. This variant is rare in population databases. The currently available literature and clinical evidence are not sufficient to establish a definitive association between this variant and the reported condition. Therefore, this variant is classified as a variant of uncertain significance.

Labcorp Genetics (formerly Invitae), Labcorp
Classification: Likely benign. Last evaluated: 2024-07-26. Review status: criteria provided, single submitter. Criteria: Invitae Variant Classification Sherloc (09022015). Collection method: clinical testing. Allele origin: germline.